The following is an entry in ClinVar:

NM_032638.5(GATA2):c.1160_1165del (p.Thr387_Met388del)

Gene: GATA2 (GATA binding protein 2; minus strand). Cytogenetic location: 3q21.3.
Variant type: Deletion.
Coding change: c.1160_1165del on transcript NM_032638.5 (MANE Select); coding-DNA positions 1160 to 1165, 6 bases deleted (CCATGA; older notation c.1160_1165delCCATGA).
Protein change: p.Thr387_Met388del.
Molecular consequence: inframe deletion.
Genome position (GRCh38, 1-based): chr3:128,481,297-128,481,302, TCATGG deleted on the plus strand (CCATGA on the coding strand, the reverse complement: GATA2 is on the minus strand); deleting any 6 consecutive bases within chr3:128,481,297-128,481,305 gives the same sequence; the c. name uses the placement nearest the transcript's 3' end. VCF-style (leftmost placement, unchanged base first): chr3-128481296-TTCATGG-T. GRCh37 (hg19) VCF-style: chr3-128200139-TTCATGG-T.
Other names: c.1160_1165del, p.Thr387_Met388del (NM_001145661.2); c.1118_1123del, p.Thr373_Met374del (NM_001145662.1).
Identifiers: ClinVar variation 1315540 (VCV001315540.2), dbSNP rs2107668101, ClinGen allele CA645529125.

ClinVar aggregate classification (germline): Uncertain significance (1 of 4 stars; one submission).

Submission:

GeneDx
Classification: Uncertain significance. Last evaluated: 2019-12-09. Review status: criteria provided, single submitter. Criteria: GeneDx Variant Classification Process June 2021. Collection method: clinical testing. Allele origin: germline. Affected: yes.
Comment: Not observed in large population cohorts (Lek et al., 2016); In-frame deletion of 2 amino acids in a non-repeat region; In silico analysis, which includes protein predictors and evolutionary conservation, supports a deleterious effect; Observed in a patient with myelofibrosis, however germline status was not confirmed (Patel 2015); This variant is associated with the following publications: (PMID: 26124496)